The following is an entry in ClinVar:

NM_001374736.1(DST):c.13268G>A (p.Ser4423Asn)

Gene: DST (dystonin; minus strand). Cytogenetic location: 6p12.1.
Variant type: single nucleotide variant.
Coding change: c.13268G>A on transcript NM_001374736.1 (MANE Select); coding-DNA position 13268, G replaced by A.
Protein change: p.Ser4423Asn; replaces serine 4423 with asparagine.
Molecular consequence: missense variant.
Genome position (GRCh38, 1-based): chr6:56,573,033, C>T on the plus strand (G>A on the coding strand, the complement: DST is on the minus strand). VCF-style: chr6-56573033-C-T. GRCh37 (hg19) VCF-style: chr6-56437831-C-T.
Other names: c.6911G>A, p.Ser2304Asn (NM_001144769.5); c.6497G>A, p.Ser2166Asn (NM_001144770.2); c.13268G>A, p.Ser4423Asn (NM_001374722.1); c.12635G>A, p.Ser4212Asn (NM_001374729.1); c.6377G>A, p.Ser2126Asn (NM_001374730.1, NM_001386100.1, NM_183380.4); c.13295G>A, p.Ser4432Asn (NM_001374734.1); c.5399G>A, p.Ser1800Asn (NM_015548.5); short protein forms S1800N, S2126N, S2166N, S2304N, S4423N, S4432N, S4212N.
Identifiers: ClinVar variation 1417186 (VCV001417186.6), dbSNP rs2152614607, ClinGen allele CA364527700.

ClinVar aggregate classification (germline): Uncertain significance (1 of 4 stars; one submission).

Conditions:
Hereditary sensory and autonomic neuropathy type 6. Also called: HSAN VI; Neuropathy, hereditary sensory and autonomic, type VI. Identifiers: Orphanet 314381, MedGen C3539003, MONDO:0013839, OMIM 614653.
Epidermolysis bullosa simplex 3, localized or generalized intermediate, with BP230 deficiency (EBS3). Also called: Epidermolysis bullosa simplex, autosomal recessive 2; Epidermolysis bullosa simplex due to BP230 deficiency. Identifiers: Orphanet 412181, MedGen C3809470, MONDO:0014180, OMIM 615425.

Submission:

Labcorp Genetics (formerly Invitae), Labcorp
Classification: Uncertain significance for Epidermolysis bullosa simplex 3, localized or generalized intermediate, with BP230 deficiency; Hereditary sensory and autonomic neuropathy type 6. Last evaluated: 2020-11-26. Review status: criteria provided, single submitter. Criteria: Invitae Variant Classification Sherloc (09022015). Collection method: clinical testing. Allele origin: germline.
Comment: In summary, the available evidence is currently insufficient to determine the role of this variant in disease. Therefore, it has been classified as a Variant of Uncertain Significance. Algorithms developed to predict the effect of missense changes on protein structure and function are either unavailable or do not agree on the potential impact of this missense change (SIFT: "Not Available"; PolyPhen-2: "Not Available"; Align-GVGD: "Not Available"). This variant has not been reported in the literature in individuals with DST-related conditions. This variant is not present in population databases (ExAC no frequency). This sequence change replaces serine with asparagine at codon 1800 of the DST protein (p.Ser1800Asn). The DST gene has multiple clinically relevant transcripts. This variant occurs in alternate transcript NM_015548.4, and corresponds to NM_001723.5:c.*42484G>A in the primary transcript.